The following is an entry in ClinVar:

ClinVar aggregate classification (germline): Benign. Review status: criteria provided, multiple submitters, no conflicts (2 of 4 stars). 9 submissions from 9 submitters: Benign (6). 3 of the submissions do not count toward it. Last evaluated 2026-02-04.

Conditions:
MTR-related disorder. Also called: MTR-related condition.
Disorders of Intracellular Cobalamin Metabolism. Identifiers: MedGen CN043592.
Gastrointestinal stromal tumor. Also called: Gastrointestinal stromal tumor, somatic; Gastrointestinal stroma tumor. Identifiers: Orphanet 44890, MedGen C0238198, MeSH D046152, MONDO:0011719, OMIM 606764, HP:0100723.
Methylcobalamin deficiency type cblG (HMAG). Also called: HOMOCYSTINURIA-MEGALOBLASTIC ANEMIA DUE TO DEFECT IN COBALAMIN METABOLISM, cblG COMPLEMENTATION TYPE; HOMOCYSTINURIA-MEGALOBLASTIC ANEMIA, cblG TYPE; Functional methionine synthase deficiency type cblG; HOMOCYSTINURIA-MEGALOBLASTIC ANEMIA, cblG COMPLEMENTATION TYPE. Identifiers: Orphanet 2170, Orphanet 622, MedGen C1855128, MONDO:0009609, OMIM 250940.
Neural tube defects, folate-sensitive, susceptibility to.

Allele frequency attached by ClinVar (database versions not stated): gnomAD exomes 0.19947 and 0.20304; ExAC 0.20908; TOPMed 0.20931; gnomAD 0.21137 and 0.21318; 1000 Genomes Project 0.21825; ESP Exome Variant Server 0.22036; 1000 Genomes Project 30x 0.22158.
gnomAD v4.1: 319,567 of 1,590,910 alleles (20%); highest among the groups gnomAD compares: South Asian, 31%; 34,048 homozygotes.

Submissions (9):

Labcorp Genetics (formerly Invitae), Labcorp
Classification: Benign for Methylcobalamin deficiency type cblG. Last evaluated: 2026-02-04. Review status: criteria provided, single submitter. Criteria: Invitae Variant Classification Sherloc (09022015). Collection method: clinical testing. Allele origin: germline.

ARUP Laboratories, Molecular Genetics and Genomics, ARUP Laboratories
Classification: Benign. Last evaluated: 2025-07-28. Review status: criteria provided, single submitter. Criteria: ARUP Molecular Germline Variant Investigation Process 2024. Collection method: clinical testing. Allele origin: germline.

Genome-Nilou Lab
Classification: Benign for Methylcobalamin deficiency type cblG. Last evaluated: 2021-09-05. Review status: criteria provided, single submitter. Criteria: ACMG Guidelines, 2015. Collection method: clinical testing. Allele origin: germline. Affected: no.

Illumina Laboratory Services, Illumina
Classification: Benign for Disorders of Intracellular Cobalamin Metabolism. Last evaluated: 2018-03-06. Review status: criteria provided, single submitter. Criteria: ICSL Variant Classification Criteria 13 December 2019. Collection method: clinical testing. Allele origin: germline.
Comment: This variant was observed in the ICSL laboratory as part of a predisposition screen in an ostensibly healthy population. It had not been previously curated by ICSL or reported in the Human Gene Mutation Database (HGMD: prior to June 1st, 2018), and was therefore a candidate for classification through an automated scoring system. Utilizing variant allele frequency, disease prevalence and penetrance estimates, and inheritance mode, an automated score was calculated to assess if this variant is too frequent to cause the disease. Based on the score and internal cut-off values, a variant classified as benign is not then subjected to further curation. The score for this variant resulted in a classification of benign for this disease.

GeneDx
Classification: Benign. Last evaluated: 2013-09-09. Review status: criteria provided, single submitter. Criteria: GeneDx Variant Classification (06012015). Collection method: clinical testing. Allele origin: germline. Affected: yes.
Comment: This variant is considered likely benign or benign based on one or more of the following criteria: it is a conservative change, it occurs at a poorly conserved position in the protein, it is predicted to be benign by multiple in silico algorithms, and/or has population frequency not consistent with disease.

Breakthrough Genomics
Classification: Benign. Review status: criteria provided, single submitter. Criteria: ACMG Guidelines, 2015. Collection method: not provided. Allele origin: germline. Inheritance: Autosomal recessive inheritance. Affected: yes.

PreventionGenetics, part of Exact Sciences
Classification: Likely benign for MTR-related condition. Last evaluated: 2020-07-29. Review status: no assertion criteria provided. Collection method: clinical testing. Allele origin: germline. Not counted in ClinVar's aggregate classification.
Comment: This variant is classified as likely benign based on ACMG/AMP sequence variant interpretation guidelines (Richards et al. 2015 PMID: 25741868, with internal and published modifications).

OMIM
Classification: risk factor for NEURAL TUBE DEFECTS, FOLATE-SENSITIVE, SUSCEPTIBILITY TO. Last evaluated: 2003-09-01. Review status: no assertion criteria provided. Collection method: literature only. Allele origin: germline. Not counted in ClinVar's aggregate classification.

Department of Pharmacy and Biotechnology, University of Bologna
Classification: Uncertain significance for Gastrointestinal Stromal Tumors. Review status: no assertion criteria provided. Collection method: case-control. Allele origin: germline. Affected: yes. Observed: 20 variant alleles, 18 heterozygotes, 2 homozygotes. Not counted in ClinVar's aggregate classification.

Literature cited by the submitters: PubMed 8968737 (cited by OMIM); PubMed 9013615 (cited by OMIM); PubMed 10323741 (cited by OMIM); PubMed 12154064 (cited by OMIM); PubMed 12375236 (cited by OMIM); PubMed 12923861 (cited by OMIM); PubMed 25227144 (cited by Department of Pharmacy and Biotechnology, University of Bologna).

NM_000254.3(MTR):c.2756A>G (p.Asp919Gly)

Gene: MTR (5-methyltetrahydrofolate-homocysteine methyltransferase; plus strand). Cytogenetic location: 1q43.
Variant type: single nucleotide variant.
Coding change: c.2756A>G on transcript NM_000254.3 (MANE Select); coding-DNA position 2756, A replaced by G.
Protein change: p.Asp919Gly; replaces aspartic acid 919 with glycine.
Molecular consequence: missense variant.
Genome position (GRCh38, 1-based): chr1:236,885,200, A>G. VCF-style: chr1-236885200-A-G. GRCh37 (hg19) VCF-style: chr1-237048500-A-G.
Other names: p.D919G:GAC>GGC; 2756A-G; c.2603A>G, p.Asp868Gly (NM_001291939.1); c.1535A>G, p.Asp512Gly (NM_001291940.2); short protein forms D919G, D512G, D868G.
Identifiers: ClinVar variation 138289 (VCV000138289.28), dbSNP rs1805087, ClinGen allele CA170993.